The following is an entry in ClinVar:

NM_001127464.1:c.10210C>G

Gene: ZNF469 (zinc finger protein 469; plus strand).
Variant type: single nucleotide variant.
Identifiers: ClinVar variation 4845016 (VCV004845016.1).

ClinVar aggregate classification (germline): Uncertain significance (1 of 4 stars; one submission).

Conditions:
Cardiovascular phenotype. Identifiers: MedGen CN230736.

Submission:

Ambry Genetics
Classification: Uncertain significance for Cardiovascular phenotype. Last evaluated: 2026-02-13. Review status: criteria provided, single submitter. Criteria: Ambry Variant Classification Scheme 2023. Collection method: clinical testing. Allele origin: germline.
Comment: The p.Q3404E variant (also known as c.10210C>G), located in coding exon 2 of the ZNF469 gene, results from a C to G substitution at nucleotide position 10210. The glutamine at codon 3404 is replaced by glutamic acid, an amino acid with highly similar properties. This amino acid position is conserved. In addition, this alteration is predicted to be tolerated by in silico analysis. Based on the available evidence, the clinical significance of this variant remains unclear.